The following is an entry in ClinVar:

ClinVar aggregate classification (germline): Uncertain significance. Review status: criteria provided, multiple submitters, no conflicts (2 of 4 stars). 2 submissions from 2 submitters: Uncertain significance (2). Last evaluated 2026-02-17.

Conditions:
TRRAP-related disorder. Also called: TRRAP-related condition.

Allele frequency attached by ClinVar (database versions not stated): gnomAD 0.00001; gnomAD exomes 0.00001; TOPMed 0.00001.

Submissions (2):

PreventionGenetics, part of Exact Sciences
Classification: Uncertain significance for TRRAP-related condition. Last evaluated: 2026-02-17. Review status: criteria provided, single submitter. Criteria: ACMG Guidelines, 2015. Collection method: clinical testing. Allele origin: germline.
Comment: The TRRAP c.3261G>T variant is predicted to result in the amino acid substitution p.Met1087Ile. To our knowledge, this variant has not been reported in the literature. This variant is reported in 0.0018% of alleles in individuals of European (Non-Finnish) descent in gnomAD. At this time, the clinical significance of this variant is uncertain due to the absence of conclusive functional and genetic evidence.

Labcorp Genetics (formerly Invitae), Labcorp
Classification: Uncertain significance. Last evaluated: 2025-02-17. Review status: criteria provided, single submitter. Criteria: Invitae Variant Classification Sherloc (09022015). Collection method: clinical testing. Allele origin: germline.
Comment: This sequence change replaces methionine, which is neutral and non-polar, with isoleucine, which is neutral and non-polar, at codon 1087 of the TRRAP protein (p.Met1087Ile). This variant is present in population databases (no rsID available, gnomAD 0.002%). This variant has not been reported in the literature in individuals affected with TRRAP-related conditions. ClinVar contains an entry for this variant (Variation ID: 2176256). Invitae Evidence Modeling of protein sequence and biophysical properties (such as structural, functional, and spatial information, amino acid conservation, physicochemical variation, residue mobility, and thermodynamic stability) indicates that this missense variant is not expected to disrupt TRRAP protein function with a negative predictive value of 80%. In summary, the available evidence is currently insufficient to determine the role of this variant in disease. Therefore, it has been classified as a Variant of Uncertain Significance.

NM_001375524.1(TRRAP):c.3261G>T (p.Met1087Ile)

Gene: TRRAP (transformation/transcription domain associated protein; plus strand). Cytogenetic location: 7q22.1.
Variant type: single nucleotide variant.
Coding change: c.3261G>T on transcript NM_001375524.1 (MANE Select); coding-DNA position 3261, G replaced by T.
Protein change: p.Met1087Ile; replaces methionine 1087 with isoleucine.
Molecular consequence: missense variant.
Genome position (GRCh38, 1-based): chr7:98,930,074, G>T. VCF-style: chr7-98930074-G-T. GRCh37 (hg19) VCF-style: chr7-98527697-G-T.
Other names: c.3261G>T, p.Met1087Ile (NM_001244580.2, NM_003496.4); c.3261G>T (NM_003496.3); short protein forms M1087I.
Identifiers: ClinVar variation 2176256 (VCV002176256.5), dbSNP rs1179802192, ClinGen allele CA368298975.